The following is an entry in ClinVar:

ClinVar aggregate classification (germline): Conflicting classifications of pathogenicity. Review status: criteria provided, conflicting classifications (1 of 4 stars). 9 submissions from 9 submitters: Uncertain significance (8); Likely benign (1). Last evaluated 2026-04-02.

Conditions:
SDHAF2-related disorder. Also called: SDHAF2-related condition.
Hereditary cancer-predisposing syndrome. Also called: Neoplastic Syndromes, Hereditary; Tumor predisposition; Hereditary Cancer Syndrome; Hereditary neoplastic syndrome. Identifiers: Orphanet 140162, MedGen C0027672, MeSH D009386, MONDO:0015356.
Hereditary pheochromocytoma and paraganglioma. Also called: Hereditary Paraganglioma-Pheochromocytoma Syndromes; Hereditary paragangliomas and pheochromocytomas; Hereditary pheochromocytoma-paraganglioma. Identifiers: Orphanet 29072, MedGen C4274332, MONDO:0017366.
Pheochromocytoma/paraganglioma syndrome 2. Also called: SDHAF2-Related Hereditary Paraganglioma-Pheochromocytoma Syndrome; GLOMUS TUMORS, FAMILIAL, 2; SDHAF2-Related Hereditary Paraganglioma-Pheochromocytoma Syndrome (Paragangliomas 2); Paragangliomas 2. Identifiers: Orphanet 29072, MedGen C1866552, MONDO:0011121, OMIM 601650.

Allele frequency attached by ClinVar (database versions not stated): ExAC 0.00002; gnomAD exomes 0.00002; ESP Exome Variant Server 0.00008; gnomAD 0.00009; TOPMed 0.00027; 1000 Genomes Project 30x 0.00031; 1000 Genomes Project 0.00040.
gnomAD v4.1: 33 of 1,614,210 alleles (0.002%); highest among the groups gnomAD compares: Admixed American, 0.038%; no homozygotes.

Submissions (9):

PreventionGenetics, part of Exact Sciences
Classification: Uncertain significance for SDHAF2-related condition. Last evaluated: 2026-04-02. Review status: criteria provided, single submitter. Criteria: ACMG Guidelines, 2015. Collection method: clinical testing. Allele origin: germline.
Comment: The SDHAF2 c.476A>C variant is predicted to result in the amino acid substitution p.Glu159Ala. To our knowledge, this variant has not been reported in the literature. This variant is reported in 0.014% of alleles in individuals of Latino descent in gnomAD and is classified as uncertain in ClinVar (Variation ID: 411605). Although we suspect that this variant may be benign, at this time, the clinical significance of this variant is uncertain due to the absence of conclusive functional and genetic evidence.

Labcorp Genetics (formerly Invitae), Labcorp
Classification: Uncertain significance for Hereditary pheochromocytoma and paraganglioma. Last evaluated: 2026-01-25. Review status: criteria provided, single submitter. Criteria: Invitae Variant Classification Sherloc (09022015). Collection method: clinical testing. Allele origin: germline.
Comment: This sequence change replaces glutamic acid, which is acidic and polar, with alanine, which is neutral and non-polar, at codon 159 of the SDHAF2 protein (p.Glu159Ala). The frequency data for this variant in the population databases is considered unreliable, as metrics indicate poor data quality at this position in the gnomAD database. This variant has not been reported in the literature in individuals affected with SDHAF2-related conditions. ClinVar contains an entry for this variant (Variation ID: 411605). An algorithm developed to predict the effect of missense changes on protein structure and function (PolyPhen-2) suggests that this variant is likely to be disruptive. In summary, the available evidence is currently insufficient to determine the role of this variant in disease. Therefore, it has been classified as a Variant of Uncertain Significance.

Color Diagnostics, LLC DBA Color Health
Classification: Likely benign for Hereditary pheochromocytoma and paraganglioma. Last evaluated: 2025-12-17. Review status: criteria provided, single submitter. Criteria: ACMG Guidelines, 2015. Collection method: clinical testing. Allele origin: germline.

GeneDx
Classification: Uncertain significance. Last evaluated: 2025-09-03. Review status: criteria provided, single submitter. Criteria: GeneDx Variant Classification Process June 2021. Collection method: clinical testing. Allele origin: germline. Affected: yes.
Comment: Not observed at significant frequency in large population cohorts (gnomAD); In silico analysis suggests that this missense variant does not alter protein structure/function; Has not been previously published as pathogenic or benign to our knowledge; This variant is associated with the following publications: (PMID: 38473309)

Quest Diagnostics Nichols Institute San Juan Capistrano
Classification: Uncertain significance. Last evaluated: 2024-11-21. Review status: criteria provided, single submitter. Criteria: Quest Diagnostics criteria. Collection method: clinical testing. Allele origin: unknown.
Comment: The SDHAF2 c.476A>C (p.Glu159Ala) variant has not been reported in individuals with SDHAF2-related conditions in the published literature. The frequency of this variant in the general population, 0.00012 (4/34590 chromosomes in Admixed American subpopulation (Genome Aggregation Database)), is higher than would generally be expected for pathogenic variants in this gene. Analysis of this variant using bioinformatics tools for the prediction of the effect of amino acid changes on protein structure and function yielded predictions that this variant is damaging. Based on the available information, we are unable to determine the clinical significance of this variant.

Baylor Genetics
Classification: Uncertain significance for Pheochromocytoma/paraganglioma syndrome 2. Last evaluated: 2024-03-17. Review status: criteria provided, single submitter. Criteria: ACMG Guidelines, 2015. Collection method: clinical testing. Allele origin: unknown.

Ambry Genetics
Classification: Uncertain significance for Hereditary cancer-predisposing syndrome. Last evaluated: 2024-03-06. Review status: criteria provided, single submitter. Criteria: Ambry Variant Classification Scheme 2023. Collection method: clinical testing. Allele origin: germline.
Comment: The p.E159A variant (also known as c.476A>C), located in coding exon 4 of the SDHAF2 gene, results from an A to C substitution at nucleotide position 476. The glutamic acid at codon 159 is replaced by alanine, an amino acid with dissimilar properties. This amino acid position is highly conserved in available vertebrate species. In addition, the in silico prediction for this alteration is inconclusive. Since supporting evidence is limited at this time, the clinical significance of this alteration remains unclear.

All of Us Research Program, National Institutes of Health
Classification: Uncertain significance for Hereditary pheochromocytoma and paraganglioma. Last evaluated: 2023-12-13. Review status: criteria provided, single submitter. Criteria: ACMG Guidelines, 2015. Collection method: clinical testing. Allele origin: germline. Inheritance: Autosomal dominant inheritance. Observed: 26 variant alleles, 26 heterozygotes.
Comment: This missense variant replaces glutamic acid with alanine at codon 159 of the SDHAF2 protein. Computational prediction suggests that this variant may not impact protein structure and function (internally defined REVEL score threshold <= 0.5, PMID: 27666373). To our knowledge, functional studies have not been reported for this variant. This variant has not been reported in individuals affected with SDHAF2-related disorders in the literature. This variant has not been identified in the general population by the Genome Aggregation Database (gnomAD). The available evidence is insufficient to determine the role of this variant in disease conclusively. Therefore, this variant is classified as a Variant of Uncertain Significance.

This study involves interpretation of variants in research participants for the purpose of population health screening. Participant phenotype was not available at the time of variant classification. Additional details can be found in publication PMID: 35346344, PMCID: PMC8962531

St. Jude Molecular Pathology, St. Jude Children's Research Hospital
Classification: Uncertain significance for Pheochromocytoma/paraganglioma syndrome 2. Last evaluated: 2022-09-01. Review status: criteria provided, single submitter. Criteria: St. Jude Assertion Criteria 2020. Collection method: clinical testing. Allele origin: germline.
Comment: The SDHAF2 c.476A>C (p.Glu159Ala) missense change has a maximum subpopulation frequency of 0.014% in gnomAD v2.1.1. The in silico tool REVEL is inconclusive about a pathogenic or benign effect of this variant on protein function, and to our knowledge functional studies have not been performed. To our knowledge, this variant has not been reported in individuals with SDHAF2-associated tumors. In summary, the evidence currently available is insufficient to determine the clinical significance of this variant. It has therefore been classified as of uncertain significance.

Literature cited by the submitters: PubMed 38473309 (cited by Quest Diagnostics Nichols Institute San Juan Capistrano).

NM_017841.4(SDHAF2):c.476A>C (p.Glu159Ala)

Gene: SDHAF2 (succinate dehydrogenase complex assembly factor 2; plus strand). Cytogenetic location: 11q12.2.
Variant type: single nucleotide variant.
Coding change: c.476A>C on transcript NM_017841.4 (MANE Select); coding-DNA position 476, A replaced by C.
Protein change: p.Glu159Ala; replaces glutamic acid 159 with alanine.
Molecular consequence: missense variant.
Genome position (GRCh38, 1-based): chr11:61,446,046, A>C. VCF-style: chr11-61446046-A-C. GRCh37 (hg19) VCF-style: chr11-61213518-A-C.
Other names: short protein forms E159A.
Identifiers: ClinVar variation 411605 (VCV000411605.26), dbSNP rs140920079, ClinGen allele CA059412.
Genomic context (GRCh38, chr11:61,446,046, plus strand): 5'-TGCTGAGAGACTTTGCTAAAAACAAAAACAAAGAGCAGAGACTGCGTGCCCCAGATCTTG[A>C]GTACCTCTTTGAAAAGCCACGTTGAGCTGTGCTCCACGGCCTGGCATGGGGGTTCAGTCT-3'
Protein context (NP_060311.1, residues 149-166): KEQRLRAPDL[Glu159Ala]YLFEKPR